The following is an entry in ClinVar:

NM_014996.4(PLCH1):c.166C>G (p.Leu56Val)

Gene: PLCH1 (phospholipase C eta 1; minus strand). Cytogenetic location: 3q25.31.
Variant type: single nucleotide variant.
Coding change: c.166C>G on transcript NM_014996.4 (MANE Select); coding-DNA position 166, C replaced by G.
Protein change: p.Leu56Val; replaces leucine 56 with valine.
Molecular consequence: missense variant.
Genome position (GRCh38, 1-based): chr3:155,596,292, G>C on the plus strand (C>G on the coding strand, the complement: PLCH1 is on the minus strand). VCF-style: chr3-155596292-G-C. GRCh37 (hg19) VCF-style: chr3-155314081-G-C.
Other names: c.130C>G, p.Leu44Val (NM_001130960.2, NM_001130961.2, NM_001349250.2); c.166C>G, p.Leu56Val (NM_001349251.2, NM_001349252.2); c.130C>G (NM_001130960.1); short protein forms L44V, L56V.
Identifiers: ClinVar variation 3769333 (VCV003769333.3).

ClinVar aggregate classification (germline): Uncertain significance. Review status: criteria provided, multiple submitters, no conflicts (2 of 4 stars). 2 submissions from 2 submitters: Uncertain significance (2). Last evaluated 2025-08-20.

gnomAD v4.1: 52 of 1,613,328 alleles (0.0032%); highest among the groups gnomAD compares: Middle Eastern, 0.099%; 1 homozygote.

Submissions (2):

Ambry Genetics
Classification: Uncertain significance. Last evaluated: 2025-08-20. Review status: criteria provided, single submitter. Criteria: Ambry Variant Classification Scheme 2023. Collection method: clinical testing. Allele origin: germline.

Women's Health and Genetics/Laboratory Corporation of America, LabCorp
Classification: Uncertain significance. Last evaluated: 2025-01-02. Review status: criteria provided, single submitter. Criteria: LabCorp Variant Classification Summary - May 2015. Collection method: clinical testing. Allele origin: germline.
Comment: Variant summary: PLCH1 c.130C>G (p.Leu44Val) results in a conservative amino acid change located in the Pleckstrin homology domain of the encoded protein sequence. Four of five in-silico tools predict a damaging effect of the variant on protein function. The variant allele was found at a frequency of 3.6e-05 in 251400 control chromosomes. The available data on variant occurrences in the general population are insufficient to allow any conclusion about variant significance. To our knowledge, no occurrence of c.130C>G in individuals affected with Holoprosencephaly 14 and no experimental evidence demonstrating its impact on protein function have been reported. No submitters have cited clinical-significance assessments for this variant to ClinVar. Based on the evidence outlined above, the variant was classified as uncertain significance.